The following is an entry in ClinVar:

ClinVar aggregate classification (germline): Uncertain significance. Review status: criteria provided, multiple submitters, no conflicts (2 of 4 stars). 2 submissions from 2 submitters: Uncertain significance (2). Last evaluated 2025-02-06.

gnomAD v4.1: 1 of 1,613,118 alleles (0.000062%); highest among the groups gnomAD compares: Non-Finnish European, 0.000085%; no homozygotes.

Submissions (2):

Labcorp Genetics (formerly Invitae), Labcorp
Classification: Uncertain significance. Last evaluated: 2025-02-06. Review status: criteria provided, single submitter. Criteria: Invitae Variant Classification Sherloc (09022015). Collection method: clinical testing. Allele origin: germline.
Comment: This sequence change replaces arginine, which is basic and polar, with serine, which is neutral and polar, at codon 323 of the COL11A1 protein (p.Arg323Ser). This variant is not present in population databases (gnomAD no frequency). This variant has not been reported in the literature in individuals affected with COL11A1-related conditions. Invitae Evidence Modeling of protein sequence and biophysical properties (such as structural, functional, and spatial information, amino acid conservation, physicochemical variation, residue mobility, and thermodynamic stability) indicates that this missense variant is not expected to disrupt COL11A1 protein function with a negative predictive value of 95%. In summary, the available evidence is currently insufficient to determine the role of this variant in disease. Therefore, it has been classified as a Variant of Uncertain Significance.

GeneDx
Classification: Uncertain significance. Last evaluated: 2024-10-14. Review status: criteria provided, single submitter. Criteria: GeneDx Variant Classification Process June 2021. Collection method: clinical testing. Allele origin: germline. Affected: yes.
Comment: Has not been previously published as pathogenic or benign to our knowledge; Not observed at significant frequency in large population cohorts (gnomAD); In silico analysis indicates that this missense variant does not alter protein structure/function; This variant is associated with the following publications: (PMID: 25240749)

NM_001854.4(COL11A1):c.969G>T (p.Arg323Ser)

Gene: COL11A1 (collagen type XI alpha 1 chain; minus strand). Cytogenetic location: 1p21.1.
Variant type: single nucleotide variant.
Coding change: c.969G>T on transcript NM_001854.4 (MANE Select); coding-DNA position 969, G replaced by T.
Protein change: p.Arg323Ser; replaces arginine 323 with serine.
Molecular consequence: missense variant. On other transcripts: non-coding transcript variant (1), intron variant (1).
Genome position (GRCh38, 1-based): chr1:103,025,542, C>A on the plus strand (G>T on the coding strand, the complement: COL11A1 is on the minus strand). VCF-style: chr1-103025542-C-A. GRCh37 (hg19) VCF-style: chr1-103491098-C-A.
Other names: c.852G>T, p.Arg284Ser (NM_001190709.2); c.1005G>T, p.Arg335Ser (NM_080629.3); c.897+674G>T (NM_080630.4); short protein forms R284S, R323S, R335S.
Identifiers: ClinVar variation 3777281 (VCV003777281.2).